The following is an entry in ClinVar:

ClinVar aggregate classification (germline): Uncertain significance (1 of 4 stars; one submission).

Submission:

Labcorp Genetics (formerly Invitae), Labcorp
Classification: Uncertain significance. Last evaluated: 2022-03-28. Review status: criteria provided, single submitter. Criteria: Invitae Variant Classification Sherloc (09022015). Collection method: clinical testing. Allele origin: germline.
Comment: In summary, the available evidence is currently insufficient to determine the role of this variant in disease. Therefore, it has been classified as a Variant of Uncertain Significance. Variants that disrupt the consensus splice site are a relatively common cause of aberrant splicing (PMID: 17576681, 9536098). Algorithms developed to predict the effect of sequence changes on RNA splicing suggest that this variant may disrupt the consensus splice site. This variant has not been reported in the literature in individuals affected with TUBGCP4-related conditions. This variant is not present in population databases (gnomAD no frequency). This sequence change falls in intron 15 of the TUBGCP4 gene. It does not directly change the encoded amino acid sequence of the TUBGCP4 protein. It affects a nucleotide within the consensus splice site.

Literature cited by the submitters: PubMed 17576681; PubMed 9536098.

NM_014444.5(TUBGCP4):c.1731+4A>C

Gene: TUBGCP4 (tubulin gamma complex component 4; plus strand). Cytogenetic location: 15q15.3.
Variant type: single nucleotide variant.
Coding change: c.1731+4A>C on transcript NM_014444.5 (MANE Select); 4 bases into the intron after coding-DNA position 1731, A replaced by C.
Molecular consequence: intron variant.
Genome position (GRCh38, 1-based): chr15:43,401,854, A>C. VCF-style: chr15-43401854-A-C. GRCh37 (hg19) VCF-style: chr15-43694052-A-C.
Other names: c.1734+4A>C (NM_001286414.3).
Identifiers: ClinVar variation 1351594 (VCV001351594.6), dbSNP rs901982171, ClinGen allele CA270000845.
Genomic context (GRCh38, chr15:43,401,854, plus strand): 5'-GCTCATGACCACTTCCTGAGCAATTTGCTGGCTCAATCCTTTATCCTATTGAAACCTGTA[A>C]GTAAGGCTCATTGGTTTCCTCAGACTGCTTCTACCACTGACCATTCCCTTAGGCAGTTTG-3'